The following is an entry in ClinVar:

NM_012123.4(MTO1):c.218-38G>A

Gene: MTO1 (mitochondrial tRNA translation optimization 1; plus strand). Cytogenetic location: 6q13.
Variant type: single nucleotide variant.
Coding change: c.218-38G>A on transcript NM_012123.4 (MANE Select); 38 bases into the intron before coding-DNA position 218, G replaced by A.
Molecular consequence: intron variant.
Genome position (GRCh38, 1-based): chr6:73,466,171, G>A. VCF-style: chr6-73466171-G-A. GRCh37 (hg19) VCF-style: chr6-74175894-G-A.
Other names: c.218-38G>A (NM_133645.3, NM_001123226.2).
Identifiers: ClinVar variation 673476 (VCV000673476.1), dbSNP rs76943968, ClinGen allele CA3889285.

ClinVar aggregate classification (germline): Likely benign (1 of 4 stars; one submission).

Allele frequency attached by ClinVar (database versions not stated): gnomAD exomes 0.00193 and 0.00480; ExAC 0.00522; gnomAD 0.01102 and 0.01127; ESP Exome Variant Server 0.01176; TOPMed 0.01261; 1000 Genomes Project 30x 0.01624; 1000 Genomes Project 0.01657.
gnomAD v4.1: 4,425 of 1,529,026 alleles (0.29%); highest among the groups gnomAD compares: African/African-American, 3.5%; 65 homozygotes.

Submission:

GeneDx
Classification: Likely benign. Last evaluated: 2018-06-14. Review status: criteria provided, single submitter. Criteria: GeneDx Variant Classification (06012015). Collection method: clinical testing. Allele origin: germline. Affected: yes.
Comment: This variant is considered likely benign or benign based on one or more of the following criteria: it is a conservative change, it occurs at a poorly conserved position in the protein, it is predicted to be benign by multiple in silico algorithms, and/or has population frequency not consistent with disease.